The following is an entry in ClinVar:

ClinVar aggregate classification (germline): Uncertain significance (1 of 4 stars; one submission).

Conditions:
BAP1-related tumor predisposition syndrome (TPDS1). Also called: COMMON Syndrome; TUMOR PREDISPOSITION SYNDROME 1; Tumor susceptibility linked to germline BAP1 mutations; BAP1 tumor predisposition syndrome. Identifiers: Orphanet 289539, MedGen C3280492, MONDO:0013692, OMIM 614327.

Submission:

Labcorp Genetics (formerly Invitae), Labcorp
Classification: Uncertain significance for BAP1-related tumor predisposition syndrome. Last evaluated: 2025-01-16. Review status: criteria provided, single submitter. Criteria: Invitae Variant Classification Sherloc (09022015). Collection method: clinical testing. Allele origin: germline.
Comment: This sequence change replaces serine, which is neutral and polar, with arginine, which is basic and polar, at codon 98 of the BAP1 protein (p.Ser98Arg). This variant is not present in population databases (gnomAD no frequency). This missense change has been observed in individual(s) with clinical features of BAP1-related conditions (PMID: 28062663). Invitae Evidence Modeling of protein sequence and biophysical properties (such as structural, functional, and spatial information, amino acid conservation, physicochemical variation, residue mobility, and thermodynamic stability) has been performed for this missense variant. However, the output from this modeling did not meet the statistical confidence thresholds required to predict the impact of this variant on BAP1 protein function. Experimental studies have shown that this missense change affects BAP1 function (PMID: 28062663). In summary, the available evidence is currently insufficient to determine the role of this variant in disease. Therefore, it has been classified as a Variant of Uncertain Significance.

Literature cited by the submitters: PubMed 28062663.

NM_004656.4(BAP1):c.294C>G (p.Ser98Arg)

Gene: BAP1 (BRCA1 associated deubiquitinase 1; minus strand). Cytogenetic location: 3p21.1.
Variant type: single nucleotide variant.
Coding change: c.294C>G on transcript NM_004656.4 (MANE Select); coding-DNA position 294, C replaced by G.
Protein change: p.Ser98Arg; replaces serine 98 with arginine.
Molecular consequence: missense variant.
Genome position (GRCh38, 1-based): chr3:52,408,039, G>C on the plus strand (C>G on the coding strand, the complement: BAP1 is on the minus strand). VCF-style: chr3-52408039-G-C. GRCh37 (hg19) VCF-style: chr3-52442055-G-C.
Other names: c.294C>G, p.Ser98Arg (NM_001410772.1); short protein forms S98R.
Identifiers: ClinVar variation 4743340 (VCV004743340.1).
Genomic context (GRCh38, chr3:52,408,039, plus strand): 5'-GAAGTCCTTCATGCGACTCAGGGTGGGTCCCAGGTCCACGCTGCTGCAGTTCAGGAGCAC[G>C]CTCAGCAAGGCATGAGTTGCACAAGAGTTGGGTATCAGCTGTGAAACCAAGAATAGTCAC-3'
Protein context (NP_004647.1, residues 88-108): PNSCATHALL[Ser98Arg]VLLNCSSVDL